The following is an entry in ClinVar:

NM_003185.4(TAF4):c.674_700del (p.Leu225_Ala233del)

Gene: TAF4 (TATA-box binding protein associated factor 4; minus strand). Cytogenetic location: 20q13.33.
Variant type: Deletion.
Coding change: c.674_700del on transcript NM_003185.4 (MANE Select); coding-DNA positions 674 to 700, 27 bases deleted (TGCTGCCGCTGCCCAAGCCCGCCGCCC).
Protein change: p.Leu225_Ala233del.
Genome position (GRCh38, 1-based): chr20:62,065,111-62,065,137, GGGCGGCGGGCTTGGGCAGCGGCAGCA deleted on the plus strand (TGCTGCCGCTGCCCAAGCCCGCCGCCC on the coding strand, the reverse complement: TAF4 is on the minus strand); deleting any 27 consecutive bases within chr20:62,065,111-62,065,138 gives the same sequence; the c. name uses the placement nearest the transcript's 3' end. VCF-style (leftmost placement, unchanged base first): chr20-62065110-GGGGCGGCGGGCTTGGGCAGCGGCAGCA-G. GRCh37 (hg19) VCF-style: chr20-60640166-GGGGCGGCGGGCTTGGGCAGCGGCAGCA-G.
Identifiers: ClinVar variation 4795862 (VCV004795862.1).

ClinVar aggregate classification (germline): Likely benign (1 of 4 stars; one submission).

Conditions:
Intellectual developmental disorder, autosomal dominant 73 (MRD73). Also called: TAF4-RELATED NDD; TAF4-RELATED NEURODEVELOPMENTAL DISORDER. Identifiers: MedGen C5830636, MONDO:0957536, OMIM 620450.

Submission:

Centre for Medical Genetics,  Mumbai
Classification: Likely benign for Intellectual developmental disorder, autosomal dominant 73. Last evaluated: 2026-02-17. Review status: criteria provided, single submitter. Criteria: ACMG Guidelines, 2015. Collection method: provider interpretation. Allele origin: germline. Inheritance: Autosomal dominant inheritance. Affected: no. Observed: 1 heterozygote.
Comment: The variant satisfies PM2 criteria; extremely low frequency in gnomAD population databases. The variant satisfies PM4 criteria; protein length changes resulting from in-frame deletions/insertions in a non-repeat region or a stop-loss variant. However, the variant satisfies BS2 criteria; present in heterozygous state in an individual that clinically does not have Intellectual developmental disorder, autosomal dominant 73.

Literature cited by the submitters: PubMed 33875846.